The following is an entry in ClinVar:

NM_144670.6(A2ML1):c.289C>G (p.Arg97Gly)

Genes: A2ML1 (alpha-2-macroglobulin like 1; plus strand), A2ML1-AS1 (A2ML1 antisense RNA 1; minus strand). Cytogenetic location: 12p13.31.
Variant type: single nucleotide variant.
Coding change: c.289C>G on transcript NM_144670.6 (MANE Select); coding-DNA position 289, C replaced by G.
Protein change: p.Arg97Gly; replaces arginine 97 with glycine.
Molecular consequence: missense variant.
Genome position (GRCh38, 1-based): chr12:8,823,762, C>G. VCF-style: chr12-8823762-C-G. GRCh37 (hg19) VCF-style: chr12-8976358-C-G.
Other names: short protein forms R97G.
Identifiers: ClinVar variation 120253 (VCV000120253.22), dbSNP rs199701571, ClinGen allele CA230642.

ClinVar aggregate classification (germline): Benign/Likely benign. Review status: criteria provided, multiple submitters, no conflicts (2 of 4 stars). 10 submissions from 10 submitters: Benign (2); Likely benign (3). 5 of the submissions do not count toward it. Last evaluated 2026-01-26.

Conditions:
A2ML1-related disorder. Also called: A2ML1-related condition.

Allele frequency attached by ClinVar (database versions not stated): TOPMed 0.00072; ESP Exome Variant Server 0.00084; 1000 Genomes Project 0.00120; 1000 Genomes Project 30x 0.00125.
gnomAD v4.1: 1,602 of 1,613,920 alleles (0.099%); highest among the groups gnomAD compares: Admixed American, 0.16%; no homozygotes.

Submissions (10):

Labcorp Genetics (formerly Invitae), Labcorp
Classification: Likely benign. Last evaluated: 2026-01-26. Review status: criteria provided, single submitter. Criteria: Invitae Variant Classification Sherloc (09022015). Collection method: clinical testing. Allele origin: germline.

Blueprint Genetics
Classification: Likely benign. Last evaluated: 2024-11-07. Review status: criteria provided, single submitter. Criteria: ACMG Guidelines, 2015. Collection method: clinical testing. Allele origin: germline.

Women's Health and Genetics/Laboratory Corporation of America, LabCorp
Classification: Benign. Last evaluated: 2019-11-11. Review status: criteria provided, single submitter. Criteria: LabCorp Variant Classification Summary - May 2015. Collection method: clinical testing. Allele origin: germline.
Comment: Variant summary: A2ML1 c.289C>G (p.Arg97Gly) results in a non-conservative amino acid change in the encoded protein sequence. Four of five in-silico tools predict a benign effect of the variant on protein function. The variant allele was found at a frequency of 0.00099 in 249500 control chromosomes, predominantly at a frequency of 0.0014 within the Latino subpopulation in the gnomAD database. The observed variant frequency within Latino control individuals in the gnomAD database is approximately 350 fold of the estimated maximal expected allele frequency for a pathogenic variant in A2ML1 causing Noonan Syndrome phenotype (4e-06), strongly suggesting that the variant is a benign polymorphism found primarily in populations of Latino origin. A co-occurrence with a pathogenic variant in an individual affected with Noonan Syndrome has been reported (RIT1 c.270G>A, p.Met90Ile; Justino_2015), providing supporting evidence for a benign role. No clinical diagnostic laboratories have submitted clinical-significance assessments for this variant to ClinVar after 2014. Based on the evidence outlined above, the variant was classified as benign.

GeneDx
Classification: Benign. Last evaluated: 2018-12-14. Review status: criteria provided, single submitter. Criteria: GeneDx Variant Classification Process June 2021. Collection method: clinical testing. Allele origin: germline. Affected: yes.
Comment: This variant is associated with the following publications: (PMID: 24896146, 27109146)

Breakthrough Genomics
Classification: Likely benign. Review status: criteria provided, single submitter. Criteria: ACMG Guidelines, 2015. Collection method: not provided. Allele origin: germline. Inheritance: Autosomal dominant inheritance. Affected: yes.

PreventionGenetics, part of Exact Sciences
Classification: Likely benign for A2ML1-related condition. Last evaluated: 2021-06-10. Review status: no assertion criteria provided. Collection method: clinical testing. Allele origin: germline. Not counted in ClinVar's aggregate classification.
Comment: This variant is classified as likely benign based on ACMG/AMP sequence variant interpretation guidelines (Richards et al. 2015 PMID: 25741868, with internal and published modifications).

Clinical Genetics DNA and cytogenetics Diagnostics Lab, Erasmus MC, Erasmus Medical Center
Classification: Likely benign. Review status: no assertion criteria provided. Collection method: clinical testing. Allele origin: germline. Affected: yes. Study: VKGL Data-share Consensus. Not counted in ClinVar's aggregate classification.

Clinical Genetics, Academic Medical Center
Classification: Likely benign. Review status: no assertion criteria provided. Collection method: clinical testing. Allele origin: germline. Affected: yes. Study: VKGL Data-share Consensus. Not counted in ClinVar's aggregate classification.

Institute of Molecular Pathology and Immunology of the University of Porto (IPATIMUP)
No classification provided. Review status: no classification provided. Collection method: not provided. Allele origin: germline. Not counted in ClinVar's aggregate classification.

Joint Genome Diagnostic Labs from Nijmegen and Maastricht, Radboudumc and MUMC+
Classification: Likely benign. Review status: no assertion criteria provided. Collection method: clinical testing. Allele origin: germline. Affected: yes. Study: VKGL Data-share Consensus. Not counted in ClinVar's aggregate classification.

Literature cited by the submitters: PubMed 24896146 (cited by Women's Health and Genetics/Laboratory Corporation of America, LabCorp).